The following is an entry in ClinVar:

NM_030957.4(ADAMTS10):c.1458A>T (p.Lys486Asn)

Gene: ADAMTS10 (ADAM metallopeptidase with thrombospondin type 1 motif 10; minus strand). Cytogenetic location: 19p13.2.
Variant type: single nucleotide variant.
Coding change: c.1458A>T on transcript NM_030957.4 (MANE Select); coding-DNA position 1458, A replaced by T.
Protein change: p.Lys486Asn; replaces lysine 486 with asparagine.
Molecular consequence: missense variant.
Genome position (GRCh38, 1-based): chr19:8,595,783, T>A on the plus strand (A>T on the coding strand, the complement: ADAMTS10 is on the minus strand). VCF-style: chr19-8595783-T-A. GRCh37 (hg19) VCF-style: chr19-8660667-T-A.
Other names: c.1458A>T (NM_030957.2); short protein forms K486N.
Identifiers: ClinVar variation 1513510 (VCV001513510.8), dbSNP rs782812770, ClinGen allele CA9160517.

ClinVar aggregate classification (germline): Uncertain significance. Review status: criteria provided, multiple submitters, no conflicts (2 of 4 stars). 2 submissions from 2 submitters: Uncertain significance (2). Last evaluated 2022-12-28.

Conditions:
Inborn genetic diseases. Identifiers: MedGen C0950123, MeSH D030342.

Allele frequency attached by ClinVar (database versions not stated): gnomAD 0.00001; TOPMed 0.00001; gnomAD exomes 0.00002; ExAC 0.00003.
gnomAD v4.1: 28 of 1,605,820 alleles (0.0017%); highest among the groups gnomAD compares: Non-Finnish European, 0.0024%; no homozygotes.

Submissions (2):

Ambry Genetics
Classification: Uncertain significance for Inborn genetic diseases. Last evaluated: 2022-12-28. Review status: criteria provided, single submitter. Criteria: Ambry Variant Classification Scheme 2023. Collection method: clinical testing. Allele origin: germline.

Labcorp Genetics (formerly Invitae), Labcorp
Classification: Uncertain significance. Last evaluated: 2022-05-05. Review status: criteria provided, single submitter. Criteria: Invitae Variant Classification Sherloc (09022015). Collection method: clinical testing. Allele origin: germline.
Comment: In summary, the available evidence is currently insufficient to determine the role of this variant in disease. Therefore, it has been classified as a Variant of Uncertain Significance. Algorithms developed to predict the effect of missense changes on protein structure and function (SIFT, PolyPhen-2, Align-GVGD) all suggest that this variant is likely to be disruptive. This variant has not been reported in the literature in individuals affected with ADAMTS10-related conditions. This variant is present in population databases (rs782812770, gnomAD 0.005%). This sequence change replaces lysine, which is basic and polar, with asparagine, which is neutral and polar, at codon 486 of the ADAMTS10 protein (p.Lys486Asn).